The following is an entry in ClinVar:

NM_014704.4(CEP104):c.1966C>T (p.Arg656Cys)

Genes: CEP104 (centrosomal protein 104; minus strand), LOC126805586 (CDK7 strongly-dependent group 2 enhancer GRCh37_chr1:3745882-3747081; plus strand). Cytogenetic location: 1p36.32.
Variant type: single nucleotide variant.
Coding change: c.1966C>T on transcript NM_014704.4 (MANE Select); coding-DNA position 1966, C replaced by T.
Protein change: p.Arg656Cys; replaces arginine 656 with cysteine.
Molecular consequence: missense variant.
Genome position (GRCh38, 1-based): chr1:3,829,868, G>A on the plus strand (C>T on the coding strand, the complement: CEP104 is on the minus strand). VCF-style: chr1-3829868-G-A. GRCh37 (hg19) VCF-style: chr1-3746432-G-A.
Other names: short protein forms R656C.
Identifiers: ClinVar variation 707355 (VCV000707355.53), dbSNP rs148465057, ClinGen allele CA551459.

ClinVar aggregate classification (germline): Benign/Likely benign. Review status: criteria provided, multiple submitters, no conflicts (2 of 4 stars). 8 submissions from 8 submitters: Benign (1); Likely benign (4). 3 of the submissions do not count toward it. Last evaluated 2026-09-01.

Conditions:
Joubert syndrome 25 (JBTS25). Identifiers: Orphanet 475, MedGen C4084842, MONDO:0014770, OMIM 616781.

Allele frequency attached by ClinVar (database versions not stated): 1000 Genomes Project 0.00060; 1000 Genomes Project 30x 0.00078; TOPMed 0.00261; gnomAD 0.00269 and 0.00276; gnomAD exomes 0.00269 and 0.00426; ExAC 0.00277; ESP Exome Variant Server 0.00346.
gnomAD v4.1: 6,579 of 1,614,086 alleles (0.41%); highest among the groups gnomAD compares: Non-Finnish European, 0.51%; 19 homozygotes.

Submissions (8):

CeGaT Center for Human Genetics Tuebingen
Classification: Likely benign. Last evaluated: 2026-09-01. Review status: criteria provided, single submitter. Criteria: CeGaT Center For Human Genetics Tuebingen Variant Classification Criteria Version 2. Collection method: clinical testing. Allele origin: germline. Affected: yes. Observed: 20 variant alleles.
Comment: CEP104: BP4, BS2

Labcorp Genetics (formerly Invitae), Labcorp
Classification: Benign for Joubert syndrome 25. Last evaluated: 2026-02-04. Review status: criteria provided, single submitter. Criteria: Invitae Variant Classification Sherloc (09022015). Collection method: clinical testing. Allele origin: germline.

Blueprint Genetics
Classification: Likely benign. Last evaluated: 2024-11-20. Review status: criteria provided, single submitter. Criteria: ACMG Guidelines, 2015. Collection method: clinical testing. Allele origin: germline.

GeneDx
Classification: Likely benign. Last evaluated: 2019-10-23. Review status: criteria provided, single submitter. Criteria: GeneDx Variant Classification Process June 2021. Collection method: clinical testing. Allele origin: germline. Affected: yes.

Breakthrough Genomics
Classification: Likely benign. Review status: criteria provided, single submitter. Criteria: ACMG Guidelines, 2015. Collection method: not provided. Allele origin: germline. Inheritance: Autosomal recessive inheritance. Affected: yes.

Clinical Genetics DNA and cytogenetics Diagnostics Lab, Erasmus MC, Erasmus Medical Center
Classification: Likely benign. Review status: no assertion criteria provided. Collection method: clinical testing. Allele origin: germline. Affected: yes. Study: VKGL Data-share Consensus. Not counted in ClinVar's aggregate classification.

Diagnostic Laboratory, Department of Genetics, University Medical Center Groningen
Classification: Likely benign. Review status: no assertion criteria provided. Collection method: clinical testing. Allele origin: germline. Affected: yes. Study: VKGL Data-share Consensus. Not counted in ClinVar's aggregate classification.

Laboratory of Diagnostic Genome Analysis, Leiden University Medical Center (LUMC)
Classification: Likely benign. Review status: no assertion criteria provided. Collection method: clinical testing. Allele origin: germline. Affected: yes. Study: VKGL Data-share Consensus. Not counted in ClinVar's aggregate classification.